The following is an entry in ClinVar:

NM_001130987.2(DYSF):c.2872C>T (p.His958Tyr)

Gene: DYSF (dysferlin; plus strand). Cytogenetic location: 2p13.2.
Variant type: single nucleotide variant.
Coding change: c.2872C>T on transcript NM_001130987.2 (MANE Select); coding-DNA position 2872, C replaced by T.
Protein change: p.His958Tyr; replaces histidine 958 with tyrosine.
Molecular consequence: missense variant.
Genome position (GRCh38, 1-based): chr2:71,569,827, C>T. VCF-style: chr2-71569827-C-T. GRCh37 (hg19) VCF-style: chr2-71796957-C-T.
Other names: c.2821C>T, p.His941Tyr (NM_001130455.2, NM_001130983.2); c.2776C>T, p.His926Tyr (NM_001130976.2, NM_001130977.2); c.2818C>T, p.His940Tyr (NM_001130978.2, NM_003494.4); c.2911C>T, p.His971Tyr (NM_001130979.2); c.2869C>T, p.His957Tyr (NM_001130980.2, NM_001130981.2); c.2914C>T, p.His972Tyr (NM_001130982.2); c.2779C>T, p.His927Tyr (NM_001130984.2, NM_001130986.2); c.2872C>T, p.His958Tyr (NM_001130985.2); short protein forms H927Y, H957Y, H958Y, H940Y, H926Y, H941Y, H972Y, H971Y.
Identifiers: ClinVar variation 2130859 (VCV002130859.4), dbSNP rs2545814760, ClinGen allele CA347215865.

ClinVar aggregate classification (germline): Uncertain significance (1 of 4 stars; one submission).

Conditions:
Neuromuscular disease caused by qualitative or quantitative defects of dysferlin. Also called: Dysferlinopathy; Qualitative or quantitative defects of dysferlin. Identifiers: Orphanet 207073, MedGen C2931687, MONDO:0016145.

Submission:

Labcorp Genetics (formerly Invitae), Labcorp
Classification: Uncertain significance for Neuromuscular disease caused by qualitative or quantitative defects of dysferlin. Last evaluated: 2022-10-13. Review status: criteria provided, single submitter. Criteria: Invitae Variant Classification Sherloc (09022015). Collection method: clinical testing. Allele origin: germline.
Comment: In summary, the available evidence is currently insufficient to determine the role of this variant in disease. Therefore, it has been classified as a Variant of Uncertain Significance. Advanced modeling of protein sequence and biophysical properties (such as structural, functional, and spatial information, amino acid conservation, physicochemical variation, residue mobility, and thermodynamic stability) performed at Invitae indicates that this missense variant is not expected to disrupt DYSF protein function. This variant has not been reported in the literature in individuals affected with DYSF-related conditions. This variant is not present in population databases (gnomAD no frequency). This sequence change replaces histidine, which is basic and polar, with tyrosine, which is neutral and polar, at codon 940 of the DYSF protein (p.His940Tyr).